The following is an entry in ClinVar:

NM_004100.5(EYA4):c.1415G>A (p.Arg472Lys)

Genes: TARID (TCF21 antisense RNA inducing promoter demethylation; minus strand), EYA4 (EYA transcriptional coactivator and phosphatase 4; plus strand). Cytogenetic location: 6q23.2.
Variant type: single nucleotide variant.
Coding change: c.1415G>A on transcript NM_004100.5 (MANE Select); coding-DNA position 1415, G replaced by A.
Protein change: p.Arg472Lys; replaces arginine 472 with lysine.
Molecular consequence: missense variant.
Genome position (GRCh38, 1-based): chr6:133,512,952, G>A. VCF-style: chr6-133512952-G-A. GRCh37 (hg19) VCF-style: chr6-133834090-G-A.
Other names: c.1253G>A, p.Arg418Lys (NM_001301012.2); c.1433G>A, p.Arg478Lys (NM_001301013.2); c.1346G>A, p.Arg449Lys (NM_001370458.1, NM_172103.4); c.1271G>A, p.Arg424Lys (NM_001370459.1); c.1415G>A, p.Arg472Lys (NM_172105.4); short protein forms R478K, R418K, R424K, R472K, R449K.
Identifiers: ClinVar variation 2069018 (VCV002069018.4), dbSNP rs2535340162, ClinGen allele CA365715211.

ClinVar aggregate classification (germline): Uncertain significance (1 of 4 stars; one submission).

Conditions:
Dilated cardiomyopathy 1J (CMD1J). Also called: CARDIOMYOPATHY, DILATED, WITH SENSORINEURAL HEARING LOSS, AUTOSOMAL DOMINANT. Identifiers: Orphanet 217622, MedGen C1854368, MONDO:0011541, OMIM 605362.

Allele frequency attached by ClinVar (database versions not stated): gnomAD exomes below 0.00001.
gnomAD v4.1: 1 of 1,614,130 alleles (0.000062%); highest among the groups gnomAD compares: Non-Finnish European, 0.000085%; no homozygotes.

Submission:

Labcorp Genetics (formerly Invitae), Labcorp
Classification: Uncertain significance for Dilated cardiomyopathy 1J. Last evaluated: 2023-05-24. Review status: criteria provided, single submitter. Criteria: Invitae Variant Classification Sherloc (09022015). Collection method: clinical testing. Allele origin: germline.
Comment: This sequence change replaces arginine, which is basic and polar, with lysine, which is basic and polar, at codon 472 of the EYA4 protein (p.Arg472Lys). This variant is not present in population databases (gnomAD no frequency). This variant has not been reported in the literature in individuals affected with EYA4-related conditions. ClinVar contains an entry for this variant (Variation ID: 2069018). Advanced modeling of protein sequence and biophysical properties (such as structural, functional, and spatial information, amino acid conservation, physicochemical variation, residue mobility, and thermodynamic stability) performed at Invitae indicates that this missense variant is not expected to disrupt EYA4 protein function. In summary, the available evidence is currently insufficient to determine the role of this variant in disease. Therefore, it has been classified as a Variant of Uncertain Significance.